The following is an entry in ClinVar:

ClinVar aggregate classification (germline): Uncertain significance (1 of 4 stars; one submission).

Conditions:
RASopathy. Also called: rasopathies; Noonan spectrum disorder. Identifiers: Orphanet 536391, MedGen C5555857, MONDO:0021060.

Submission:

Labcorp Genetics (formerly Invitae), Labcorp
Classification: Uncertain significance for RASopathy. Last evaluated: 2024-05-21. Review status: criteria provided, single submitter. Criteria: Invitae Variant Classification Sherloc (09022015). Collection method: clinical testing. Allele origin: germline.
Comment: This sequence change replaces lysine, which is basic and polar, with arginine, which is basic and polar, at codon 393 of the SOS1 protein (p.Lys393Arg). This variant is not present in population databases (gnomAD no frequency). This variant has not been reported in the literature in individuals affected with SOS1-related conditions. Advanced modeling of protein sequence and biophysical properties (such as structural, functional, and spatial information, amino acid conservation, physicochemical variation, residue mobility, and thermodynamic stability) performed at Invitae indicates that this missense variant is not expected to disrupt SOS1 protein function with a negative predictive value of 95%. In summary, the available evidence is currently insufficient to determine the role of this variant in disease. Therefore, it has been classified as a Variant of Uncertain Significance.

NM_005633.4(SOS1):c.1178A>G (p.Lys393Arg)

Gene: SOS1 (SOS Ras/Rac guanine nucleotide exchange factor 1; minus strand). Cytogenetic location: 2p22.1.
Variant type: single nucleotide variant.
Coding change: c.1178A>G on transcript NM_005633.4 (MANE Select); coding-DNA position 1178, A replaced by G.
Protein change: p.Lys393Arg; replaces lysine 393 with arginine.
Molecular consequence: missense variant.
Genome position (GRCh38, 1-based): chr2:39,024,034, T>C on the plus strand (A>G on the coding strand, the complement: SOS1 is on the minus strand). VCF-style: chr2-39024034-T-C. GRCh37 (hg19) VCF-style: chr2-39251175-T-C.
Other names: c.1157A>G, p.Lys386Arg (NM_001382394.1); c.1178A>G, p.Lys393Arg (NM_001382395.1); short protein forms K386R, K393R.
Identifiers: ClinVar variation 3696563 (VCV003696563.2).